The following is an entry in ClinVar:

ClinVar aggregate classification (germline): Uncertain significance (1 of 4 stars; one submission).

Conditions:
Glycine encephalopathy. Also called: Non-ketotic hyperglycinemia; Nonketotic hyperglycinemia. Identifiers: Orphanet 407, MedGen C0751748, MONDO:0011612, HP:0008288.

Allele frequency attached by ClinVar (database versions not stated): gnomAD exomes below 0.00001; ExAC 0.00001.
gnomAD v4.1: 4 of 1,613,546 alleles (0.00025%); highest among the groups gnomAD compares: Admixed American, 0.0017%; no homozygotes.

Submission:

Labcorp Genetics (formerly Invitae), Labcorp
Classification: Uncertain significance for Glycine encephalopathy. Last evaluated: 2022-10-25. Review status: criteria provided, single submitter. Criteria: Invitae Variant Classification Sherloc (09022015). Collection method: clinical testing. Allele origin: germline.
Comment: This sequence change replaces histidine, which is basic and polar, with arginine, which is basic and polar, at codon 402 of the GLDC protein (p.His402Arg). This variant is present in population databases (rs763451428, gnomAD 0.003%). This variant has not been reported in the literature in individuals affected with GLDC-related conditions. ClinVar contains an entry for this variant (Variation ID: 1474578). Advanced modeling of protein sequence and biophysical properties (such as structural, functional, and spatial information, amino acid conservation, physicochemical variation, residue mobility, and thermodynamic stability) performed at Invitae indicates that this missense variant is not expected to disrupt GLDC protein function. In summary, the available evidence is currently insufficient to determine the role of this variant in disease. Therefore, it has been classified as a Variant of Uncertain Significance.

NM_000170.3(GLDC):c.1205A>G (p.His402Arg)

Gene: GLDC (glycine decarboxylase; minus strand). Cytogenetic location: 9p24.1.
Variant type: single nucleotide variant.
Coding change: c.1205A>G on transcript NM_000170.3 (MANE Select); coding-DNA position 1205, A replaced by G.
Protein change: p.His402Arg; replaces histidine 402 with arginine.
Molecular consequence: missense variant.
Genome position (GRCh38, 1-based): chr9:6,595,070, T>C on the plus strand (A>G on the coding strand, the complement: GLDC is on the minus strand). VCF-style: chr9-6595070-T-C. GRCh37 (hg19) VCF-style: chr9-6595070-T-C.
Other names: short protein forms H402R.
Identifiers: ClinVar variation 1474578 (VCV001474578.5), dbSNP rs763451428, ClinGen allele CA4980808.